The following is an entry in ClinVar:

NM_000520.6(HEXA):c.248T>C (p.Leu83Pro)

Gene: HEXA (hexosaminidase subunit alpha; minus strand). Cytogenetic location: 15q23.
Variant type: single nucleotide variant.
Coding change: c.248T>C on transcript NM_000520.6 (MANE Select); coding-DNA position 248, T replaced by C.
Protein change: p.Leu83Pro; replaces leucine 83 with proline.
Molecular consequence: missense variant. On other transcripts: non-coding transcript variant (1).
Genome position (GRCh38, 1-based): chr15:72,375,725, A>G on the plus strand (T>C on the coding strand, the complement: HEXA is on the minus strand). VCF-style: chr15-72375725-A-G. GRCh37 (hg19) VCF-style: chr15-72668066-A-G.
Other names: c.248T>C, p.Leu83Pro (NM_001318825.2); short protein forms L83P.
Identifiers: ClinVar variation 1435942 (VCV001435942.5), dbSNP rs1477850542, ClinGen allele CA393070031.

ClinVar aggregate classification (germline): Uncertain significance (1 of 4 stars; one submission).

Conditions:
Tay-Sachs disease (TSD). Also called: HEXA DEFICIENCY; GM2 gangliosidosis, type 1; Hexosaminidase alpha-subunit deficiency (variant B); Sphingolipidosis, Tay-Sachs; HEXA Disorders; Hexosaminidase A Deficiency. Identifiers: Orphanet 845, MedGen C0039373, MONDO:0010100, OMIM 272800.

gnomAD v4.1: 1 of 1,614,112 alleles (0.000062%); highest among the groups gnomAD compares: Admixed American, 0.0017%; no homozygotes.

Submission:

Labcorp Genetics (formerly Invitae), Labcorp
Classification: Uncertain significance for Tay-Sachs disease. Last evaluated: 2021-09-24. Review status: criteria provided, single submitter. Criteria: Invitae Variant Classification Sherloc (09022015). Collection method: clinical testing. Allele origin: germline.
Comment: This sequence change replaces leucine with proline at codon 83 of the HEXA protein (p.Leu83Pro). The leucine residue is weakly conserved and there is a moderate physicochemical difference between leucine and proline. This variant is not present in population databases (ExAC no frequency). This variant has not been reported in the literature in individuals with HEXA-related conditions. Algorithms developed to predict the effect of missense changes on protein structure and function output the following: SIFT: "Tolerated"; PolyPhen-2: "Benign"; Align-GVGD: "Class C0". The proline amino acid residue is found in multiple mammalian species, suggesting that this missense change does not adversely affect protein function. These predictions have not been confirmed by published functional studies and their clinical significance is uncertain. In summary, the available evidence is currently insufficient to determine the role of this variant in disease. Therefore, it has been classified as a Variant of Uncertain Significance.